The following is an entry in ClinVar:

ClinVar aggregate classification (germline): Pathogenic (1 of 4 stars; one submission).

Conditions:
Neuronal ceroid lipofuscinosis 7 (CLN7). Also called: MFSD8-Related Neuronal Ceroid-Lipofuscinosis. Identifiers: Orphanet 168491, Orphanet 228366, MedGen C1838571, MONDO:0012588, OMIM 610951.

Submission:

Labcorp Genetics (formerly Invitae), Labcorp
Classification: Pathogenic for Neuronal ceroid lipofuscinosis 7. Last evaluated: 2021-12-17. Review status: criteria provided, single submitter. Criteria: Invitae Variant Classification Sherloc (09022015). Collection method: clinical testing. Allele origin: germline.
Comment: This sequence change creates a premature translational stop signal (p.Ile345Profs*68) in the MFSD8 gene. It is expected to result in an absent or disrupted protein product. Loss-of-function variants in MFSD8 are known to be pathogenic (PMID: 19177532, 25227500, 28586915). Information on the frequency of this variant in the gnomAD database is not available, as this variant may be reported differently in the database. This variant has not been reported in the literature in individuals affected with MFSD8-related conditions. Algorithms developed to predict the effect of sequence changes on RNA splicing suggest that this variant may create or strengthen a splice site. For these reasons, this variant has been classified as Pathogenic.

Literature cited by the submitters: PubMed 19177532; PubMed 25227500; PubMed 28586915.

NM_001371596.2(MFSD8):c.1033_1038delinsCC (p.Ile345fs)

Gene: MFSD8 (major facilitator superfamily domain containing 8; minus strand). Cytogenetic location: 4q28.2.
Variant type: Indel.
Coding change: c.1033_1038delinsCC on transcript NM_001371596.2 (MANE Select); coding-DNA positions 1033 to 1038, ATCGTT replaced by CC.
Protein change: p.Ile345fs; shifts the reading frame from isoleucine 345.
Molecular consequence: frameshift variant.
Genome position (GRCh38, 1-based): chr4:127,921,924-127,921,929, AACGAT replaced by GG on the plus strand (ATCGTT replaced by CC on the coding strand, the reverse complement: MFSD8 is on the minus strand). VCF-style: chr4-127921924-AACGAT-GG. GRCh37 (hg19) VCF-style: chr4-128843079-AACGAT-GG.
Other names: c.832_837delATCGTTinsCC, p.Ile278Profs (NM_001363520.3); c.718_723delATCGTTinsCC, p.Ile240Profs (NM_001363521.3); c.898_903delATCGTTinsCC, p.Ile300Profs (NM_001371590.2); c.1033_1038delATCGTTinsCC, p.Ile345Profs (NM_001371591.2); c.1039_1044delATCGTTinsCC, p.Ile347Profs (NM_001371592.2); c.919_924delATCGTTinsCC, p.Ile307Profs (NM_001371593.2); c.886_891delATCGTTinsCC, p.Ile296Profs (NM_001371594.2); c.751_756delinsCC, p.Ile251fs (NM_001371595.1); and 2 more; short protein forms I251fs, I296fs, I300fs, I278fs, I307fs, I347fs, I240fs, I345fs.
Identifiers: ClinVar variation 2044742 (VCV002044742.4), dbSNP rs2546048657, ClinGen allele CA2580071519.